The following is an entry in ClinVar:

ClinVar aggregate classification (germline): Uncertain significance (1 of 4 stars; one submission).

Allele frequency attached by ClinVar (database versions not stated): gnomAD exomes 0.00013; ExAC 0.00015; ESP Exome Variant Server 0.00038; gnomAD 0.00052 and 0.00057; 1000 Genomes Project 0.00060; 1000 Genomes Project 30x 0.00062; TOPMed 0.00068.
gnomAD v4.1: 150 of 1,614,172 alleles (0.0093%); highest among the groups gnomAD compares: African/African-American, 0.15%; no homozygotes.

Submission:

Labcorp Genetics (formerly Invitae), Labcorp
Classification: Uncertain significance. Last evaluated: 2022-10-13. Review status: criteria provided, single submitter. Criteria: Invitae Variant Classification Sherloc (09022015). Collection method: clinical testing. Allele origin: germline.
Comment: This sequence change replaces phenylalanine, which is neutral and non-polar, with leucine, which is neutral and non-polar, at codon 184 of the DEF6 protein (p.Phe184Leu). This variant is present in population databases (rs146706360, gnomAD 0.2%). This variant has not been reported in the literature in individuals affected with DEF6-related conditions. ClinVar contains an entry for this variant (Variation ID: 1415139). Algorithms developed to predict the effect of missense changes on protein structure and function output the following: SIFT: "Deleterious"; PolyPhen-2: "Benign"; Align-GVGD: "Class C15". The leucine amino acid residue is found in multiple mammalian species, which suggests that this missense change does not adversely affect protein function. In summary, the available evidence is currently insufficient to determine the role of this variant in disease. Therefore, it has been classified as a Variant of Uncertain Significance.

NM_022047.4(DEF6):c.552C>A (p.Phe184Leu)

Gene: DEF6 (DEF6 guanine nucleotide exchange factor; plus strand). Cytogenetic location: 6p21.31.
Variant type: single nucleotide variant.
Coding change: c.552C>A on transcript NM_022047.4 (MANE Select); coding-DNA position 552, C replaced by A.
Protein change: p.Phe184Leu; replaces phenylalanine 184 with leucine.
Molecular consequence: missense variant.
Genome position (GRCh38, 1-based): chr6:35,312,430, C>A. VCF-style: chr6-35312430-C-A. GRCh37 (hg19) VCF-style: chr6-35280207-C-A.
Other names: short protein forms F184L.
Identifiers: ClinVar variation 1415139 (VCV001415139.3), dbSNP rs146706360, ClinGen allele CA3770745.